The following is an entry in ClinVar:

NM_001206927.2(DNAH8):c.10147A>G (p.Lys3383Glu)

Genes: DNAH8 (dynein axonemal heavy chain 8; plus strand), DNAH8-AS1 (DNAH8 antisense RNA 1; minus strand). Cytogenetic location: 6p21.2.
Variant type: single nucleotide variant.
Coding change: c.10147A>G on transcript NM_001206927.2 (MANE Select); coding-DNA position 10147, A replaced by G.
Protein change: p.Lys3383Glu; replaces lysine 3383 with glutamic acid.
Molecular consequence: missense variant.
Genome position (GRCh38, 1-based): chr6:38,917,245, A>G. VCF-style: chr6-38917245-A-G. GRCh37 (hg19) VCF-style: chr6-38885021-A-G.
Other names: c.9496A>G, p.Lys3166Glu (NM_001371.4); short protein forms K3166E, K3383E.
Identifiers: ClinVar variation 2043394 (VCV002043394.4), dbSNP rs2533449096, ClinGen allele CA364006958.

ClinVar aggregate classification (germline): Uncertain significance (1 of 4 stars; one submission).

Conditions:
Primary ciliary dyskinesia. Also called: Ciliary dyskinesia. Identifiers: Orphanet 244, MedGen C0008780, MONDO:0016575, HP:0012265.

Submission:

Labcorp Genetics (formerly Invitae), Labcorp
Classification: Uncertain significance for Primary ciliary dyskinesia. Last evaluated: 2022-09-02. Review status: criteria provided, single submitter. Criteria: Invitae Variant Classification Sherloc (09022015). Collection method: clinical testing. Allele origin: germline.
Comment: This sequence change replaces lysine, which is basic and polar, with glutamic acid, which is acidic and polar, at codon 3383 of the DNAH8 protein (p.Lys3383Glu). This variant is not present in population databases (gnomAD no frequency). This variant has not been reported in the literature in individuals affected with DNAH8-related conditions. Algorithms developed to predict the effect of missense changes on protein structure and function are either unavailable or do not agree on the potential impact of this missense change (SIFT: "Deleterious"; PolyPhen-2: "Not Available"; Align-GVGD: "Class C55"). In summary, the available evidence is currently insufficient to determine the role of this variant in disease. Therefore, it has been classified as a Variant of Uncertain Significance.